The following is an entry in ClinVar:

NM_004006.3(DMD):c.9745G>A (p.Gly3249Ser)

Gene: DMD (dystrophin; minus strand). Cytogenetic location: Xp21.2.
Variant type: single nucleotide variant.
Coding change: c.9745G>A on transcript NM_004006.3 (MANE Select); coding-DNA position 9745, G replaced by A.
Protein change: p.Gly3249Ser; replaces glycine 3249 with serine.
Molecular consequence: missense variant.
Genome position (GRCh38, 1-based): chrX:31,204,023, C>T on the plus strand (G>A on the coding strand, the complement: DMD is on the minus strand). VCF-style: chrX-31204023-C-T. GRCh37 (hg19) VCF-style: chrX-31222140-C-T.
Other names: c.9721G>A, p.Gly3241Ser (NM_000109.4); c.9733G>A, p.Gly3245Ser (NM_004009.3); c.9376G>A, p.Gly3126Ser (NM_004010.3); c.5722G>A, p.Gly1908Ser (NM_004011.4); c.5713G>A, p.Gly1905Ser (NM_004012.4); c.2365G>A, p.Gly789Ser (NM_004013.3, NM_004020.4, NM_004021.3 and 2 more transcripts); c.1558G>A, p.Gly520Ser (NM_004014.3); c.541G>A, p.Gly181Ser (NM_004015.3, NM_004016.3, NM_004017.3 and 2 more transcripts); short protein forms G1905S, G181S, G1908S, G520S, G789S, G3126S, G3241S, G3245S.
Identifiers: ClinVar variation 4705155 (VCV004705155.1).

ClinVar aggregate classification (germline): Uncertain significance (1 of 4 stars; one submission).

Conditions:
Duchenne muscular dystrophy (DMD). Also called: MUSCULAR DYSTROPHY, PSEUDOHYPERTROPHIC PROGRESSIVE, DUCHENNE TYPE; Duchenne Muscular Dystrophy (DMD). Identifiers: Orphanet 98896, MedGen C0013264, MONDO:0010679, OMIM 310200.

Submission:

Labcorp Genetics (formerly Invitae), Labcorp
Classification: Uncertain significance for Duchenne muscular dystrophy. Last evaluated: 2026-01-20. Review status: criteria provided, single submitter. Criteria: Invitae Variant Classification Sherloc (09022015). Collection method: clinical testing. Allele origin: germline.
Comment: This sequence change replaces glycine, which is neutral and non-polar, with serine, which is neutral and polar, at codon 3249 of the DMD protein (p.Gly3249Ser). This variant is not present in population databases (gnomAD no frequency). This variant has not been reported in the literature in individuals affected with DMD-related conditions. Invitae Evidence Modeling of protein sequence and biophysical properties (such as structural, functional, and spatial information, amino acid conservation, physicochemical variation, residue mobility, and thermodynamic stability) indicates that this missense variant is not expected to disrupt DMD protein function with a negative predictive value of 95%. In summary, the available evidence is currently insufficient to determine the role of this variant in disease. Therefore, it has been classified as a Variant of Uncertain Significance.